The following is an entry in ClinVar:

NM_020738.4(KIDINS220):c.1960del (p.Thr654fs)

Gene: KIDINS220 (kinase D interacting substrate 220; minus strand). Cytogenetic location: 2p25.1.
Variant type: Deletion.
Coding change: c.1960del on transcript NM_020738.4 (MANE Select); coding-DNA position 1960, one base deleted (A; older notation c.1960delA).
Protein change: p.Thr654fs; shifts the reading frame from threonine 654.
Molecular consequence: frameshift variant. On other transcripts: non-coding transcript variant (2).
Genome position (GRCh38, 1-based): chr2:8,786,010, T deleted on the plus strand (A on the coding strand, the reverse complement: KIDINS220 is on the minus strand); the first of 7 consecutive T bases (chr2:8,786,010-8,786,016); deleting any one gives the same sequence. VCF-style (leftmost placement, unchanged base first): chr2-8786009-GT-G. GRCh37 (hg19) VCF-style: chr2-8926139-GT-G.
Other names: c.1963del, p.Thr655fs (NM_001348729.2, NM_001348731.2, NM_001348734.2 and 3 more transcripts); c.1960del, p.Thr654fs (NM_001348732.2, NM_001348735.2, NM_001348738.2 and 3 more transcripts); c.1834del, p.Thr612fs (NM_001348736.2); short protein forms T654fs, T655fs, T612fs.
Identifiers: ClinVar variation 2161861 (VCV002161861.1), dbSNP rs1290411154, ClinGen allele CA645526967.

ClinVar aggregate classification (germline): Pathogenic (1 of 4 stars; one submission).

Submission:

Labcorp Genetics (formerly Invitae), Labcorp
Classification: Pathogenic. Last evaluated: 2022-06-30. Review status: criteria provided, single submitter. Criteria: Invitae Variant Classification Sherloc (09022015). Collection method: clinical testing. Allele origin: germline.
Comment: This sequence change creates a premature translational stop signal (p.Thr654Hisfs*34) in the KIDINS220 gene. It is expected to result in an absent or disrupted protein product. Loss-of-function variants in KIDINS220 are known to be pathogenic (PMID: 28934391, 32909676). This variant is not present in population databases (gnomAD no frequency). This variant has not been reported in the literature in individuals affected with KIDINS220-related conditions. For these reasons, this variant has been classified as Pathogenic.

Literature cited by the submitters: PubMed 28934391; PubMed 32909676.